The following is an entry in ClinVar:

ClinVar aggregate classification (germline): Uncertain significance (1 of 4 stars; one submission).

Conditions:
Cardiovascular phenotype. Identifiers: MedGen CN230736.

Allele frequency attached by ClinVar (database versions not stated): gnomAD exomes below 0.00001.
gnomAD v4.1: 1 of 1,614,020 alleles (0.000062%); highest among the groups gnomAD compares: Non-Finnish European, 0.000085%; no homozygotes.

Submission:

Ambry Genetics
Classification: Uncertain significance for Cardiovascular phenotype. Last evaluated: 2025-04-14. Review status: criteria provided, single submitter. Criteria: Ambry Variant Classification Scheme 2023. Collection method: clinical testing. Allele origin: germline.
Comment: The p.K4541N variant (also known as c.13623G>C), located in coding exon 29 of the APOB gene, results from a G to C substitution at nucleotide position 13623. The lysine at codon 4541 is replaced by asparagine, an amino acid with similar properties. This amino acid position is conserved. In addition, this alteration is predicted to be tolerated by in silico analysis. Since supporting evidence is limited at this time, the clinical significance of this alteration remains unclear.

NM_000384.3(APOB):c.13623G>C (p.Lys4541Asn)

Genes: APOB (apolipoprotein B; minus strand), APOB3'MAR (APOB 3' scaffold/matrix attachment region; plus strand). Cytogenetic location: 2p24.1.
Variant type: single nucleotide variant.
Coding change: c.13623G>C on transcript NM_000384.3 (MANE Select); coding-DNA position 13623, G replaced by C.
Protein change: p.Lys4541Asn; replaces lysine 4541 with asparagine.
Molecular consequence: missense variant.
Genome position (GRCh38, 1-based): chr2:21,001,799, C>G on the plus strand (G>C on the coding strand, the complement: APOB is on the minus strand). VCF-style: chr2-21001799-C-G. GRCh37 (hg19) VCF-style: chr2-21224671-C-G.
Other names: short protein forms K4541N.
Identifiers: ClinVar variation 1770852 (VCV001770852.3), dbSNP rs2465347266, ClinGen allele CA345966945.